The following is an entry in ClinVar:

NM_182746.3(MCM4):c.1940T>C (p.Ile647Thr)

Gene: MCM4 (minichromosome maintenance complex component 4; plus strand). Cytogenetic location: 8q11.21.
Variant type: single nucleotide variant.
Coding change: c.1940T>C on transcript NM_182746.3 (MANE Select); coding-DNA position 1940, T replaced by C.
Protein change: p.Ile647Thr; replaces isoleucine 647 with threonine.
Molecular consequence: missense variant.
Genome position (GRCh38, 1-based): chr8:47,972,868, T>C. VCF-style: chr8-47972868-T-C. GRCh37 (hg19) VCF-style: chr8-48885428-T-C.
Other names: c.1940T>C, p.Ile647Thr (NM_005914.4); short protein forms I647T.
Identifiers: ClinVar variation 4740778 (VCV004740778.1).
Genomic context (GRCh38, chr8:47,972,868, plus strand): 5'-CGGCCTCACAAGGTGCTGGAAAAACAGTATTTTTACTTTGTTTTCTTAGGTTTGATTTGA[T>C]CTTCCTCTTGCTGGACCCTCAGGACGAAGCCTATGACAGGCGTCTGGCTCACCACCTGGT-3'
Protein context (NP_877423.1, residues 637-657): PHTLLSRFDL[Ile647Thr]FLLLDPQDEA

ClinVar aggregate classification (germline): Uncertain significance (1 of 4 stars; one submission).

Submission:

Labcorp Genetics (formerly Invitae), Labcorp
Classification: Uncertain significance. Last evaluated: 2025-05-24. Review status: criteria provided, single submitter. Criteria: Invitae Variant Classification Sherloc (09022015). Collection method: clinical testing. Allele origin: germline.
Comment: This sequence change replaces isoleucine, which is neutral and non-polar, with threonine, which is neutral and polar, at codon 647 of the MCM4 protein (p.Ile647Thr). This variant is not present in population databases (gnomAD no frequency). This variant has not been reported in the literature in individuals affected with MCM4-related conditions. Invitae Evidence Modeling of protein sequence and biophysical properties (such as structural, functional, and spatial information, amino acid conservation, physicochemical variation, residue mobility, and thermodynamic stability) indicates that this missense variant is expected to disrupt MCM4 protein function with a positive predictive value of 80%. In summary, the available evidence is currently insufficient to determine the role of this variant in disease. Therefore, it has been classified as a Variant of Uncertain Significance.